The following is an entry in ClinVar:

NM_024854.5(PYROXD1):c.84+6G>A

Gene: PYROXD1 (pyridine nucleotide-disulphide oxidoreductase domain 1; plus strand). Cytogenetic location: 12p12.1.
Variant type: single nucleotide variant.
Coding change: c.84+6G>A on transcript NM_024854.5 (MANE Select); 6 bases into the intron after coding-DNA position 84, G replaced by A.
Molecular consequence: intron variant.
Genome position (GRCh38, 1-based): chr12:21,437,820, G>A. VCF-style: chr12-21437820-G-A. GRCh37 (hg19) VCF-style: chr12-21590754-G-A.
Other names: c.-620+6G>A (NM_001350913.2).
Identifiers: ClinVar variation 1979166 (VCV001979166.3), dbSNP rs199682507, ClinGen allele CA6478062.

ClinVar aggregate classification (germline): Uncertain significance (1 of 4 stars; one submission).

Allele frequency attached by ClinVar (database versions not stated): TOPMed 0.00006; gnomAD 0.00007; 1000 Genomes Project 30x 0.00062; 1000 Genomes Project 0.00080.
gnomAD v4.1: 26 of 1,610,992 alleles (0.0016%); highest among the groups gnomAD compares: East Asian, 0.056%; no homozygotes.

Submission:

Labcorp Genetics (formerly Invitae), Labcorp
Classification: Uncertain significance. Last evaluated: 2024-04-25. Review status: criteria provided, single submitter. Criteria: Invitae Variant Classification Sherloc (09022015). Collection method: clinical testing. Allele origin: germline.
Comment: This sequence change falls in intron 1 of the PYROXD1 gene. It does not directly change the encoded amino acid sequence of the PYROXD1 protein. It affects a nucleotide within the consensus splice site. This variant is present in population databases (rs199682507, gnomAD 0.09%). This variant has not been reported in the literature in individuals affected with PYROXD1-related conditions. ClinVar contains an entry for this variant (Variation ID: 1979166). Variants that disrupt the consensus splice site are a relatively common cause of aberrant splicing (PMID: 17576681, 9536098). Algorithms developed to predict the effect of sequence changes on RNA splicing suggest that this variant is not likely to affect RNA splicing. In summary, the available evidence is currently insufficient to determine the role of this variant in disease. Therefore, it has been classified as a Variant of Uncertain Significance.

Literature cited by the submitters: PubMed 17576681; PubMed 9536098.